The following is an entry in ClinVar:

NM_020461.4(TUBGCP6):c.961G>A (p.Asp321Asn)

Gene: TUBGCP6 (tubulin gamma complex component 6; minus strand). Cytogenetic location: 22q13.33.
Variant type: single nucleotide variant.
Coding change: c.961G>A on transcript NM_020461.4 (MANE Select); coding-DNA position 961, G replaced by A.
Protein change: p.Asp321Asn; replaces aspartic acid 321 with asparagine.
Molecular consequence: missense variant.
Genome position (GRCh38, 1-based): chr22:50,233,471, C>T on the plus strand (G>A on the coding strand, the complement: TUBGCP6 is on the minus strand). VCF-style: chr22-50233471-C-T. GRCh37 (hg19) VCF-style: chr22-50671900-C-T.
Other names: short protein forms D321N.
Identifiers: ClinVar variation 1053967 (VCV001053967.9), dbSNP rs766210555, ClinGen allele CA10308872.
Genomic context (GRCh38, chr22:50,233,471, plus strand): 5'-CCTGTAGGACGCCCCCAGCAAGCAGCTGGAGCTCCCCTTGGTGGAGCCTGCAGAACTTGT[C>T]GAAAGCGTCCCTTCCCGCCTCCGTCAGGTAAGGCTCCTCTCTGTGGCCAGGGGGGCTGCG-3'
Protein context (NP_065194.3, residues 311-331): YLTEAGRDAF[Asp321Asn]KFCRLHQGEL

ClinVar aggregate classification (germline): Uncertain significance (1 of 4 stars; one submission).

Allele frequency attached by ClinVar (database versions not stated): ExAC 0.00001; gnomAD exomes 0.00001 and 0.00003; TOPMed 0.00001.
gnomAD v4.1: 45 of 1,612,460 alleles (0.0028%); highest among the groups gnomAD compares: South Asian, 0.0088%; no homozygotes.

Submission:

Labcorp Genetics (formerly Invitae), Labcorp
Classification: Uncertain significance. Last evaluated: 2023-07-03. Review status: criteria provided, single submitter. Criteria: Invitae Variant Classification Sherloc (09022015). Collection method: clinical testing. Allele origin: germline.
Comment: In summary, the available evidence is currently insufficient to determine the role of this variant in disease. Therefore, it has been classified as a Variant of Uncertain Significance. Algorithms developed to predict the effect of missense changes on protein structure and function output the following: SIFT: "Not Available"; PolyPhen-2: "Benign"; Align-GVGD: "Not Available". The asparagine amino acid residue is found in multiple mammalian species, which suggests that this missense change does not adversely affect protein function. This sequence change replaces aspartic acid, which is acidic and polar, with asparagine, which is neutral and polar, at codon 321 of the TUBGCP6 protein (p.Asp321Asn). This variant is present in population databases (rs766210555, gnomAD 0.002%). This variant has not been reported in the literature in individuals affected with TUBGCP6-related conditions. ClinVar contains an entry for this variant (Variation ID: 1053967).